The following is an entry in ClinVar:

NM_000262.2(NAGA):c.-649G>A

Gene: NAGA (alpha-N-acetylgalactosaminidase; minus strand). Cytogenetic location: 22q13.2.
Variant type: single nucleotide variant.
Coding change: c.-649G>A on transcript NM_000262.2; 649 bases upstream of the start codon, G replaced by A.
Genome position (GRCh38, 1-based): chr22:42,070,946, C>T on the plus strand (G>A on the coding strand, the complement: NAGA is on the minus strand). VCF-style: chr22-42070946-C-T. GRCh37 (hg19) VCF-style: chr22-42466950-C-T.
Identifiers: ClinVar variation 682643 (VCV000682643.3), dbSNP rs133377, ClinGen allele CA14960353.

ClinVar aggregate classification (germline): Benign (1 of 4 stars; one submission).

Allele frequency attached by ClinVar (database versions not stated): 1000 Genomes Project 30x 0.67161; gnomAD exomes 0.63465; gnomAD 0.64699 and 0.64767; TOPMed 0.65485; 1000 Genomes Project 0.67372.

Submission:

GeneDx
Classification: Benign. Last evaluated: 2018-06-19. Review status: criteria provided, single submitter. Criteria: GeneDx Variant Classification (06012015). Collection method: clinical testing. Allele origin: germline. Affected: yes.
Comment: This variant is considered likely benign or benign based on one or more of the following criteria: it is a conservative change, it occurs at a poorly conserved position in the protein, it is predicted to be benign by multiple in silico algorithms, and/or has population frequency not consistent with disease.